The following is an entry in ClinVar:

ClinVar aggregate classification (germline): Benign/Likely benign. Review status: criteria provided, multiple submitters, no conflicts (2 of 4 stars). 2 submissions from 2 submitters: Benign (1); Likely benign (1). Last evaluated 2025-06-05.

Conditions:
Tuberous sclerosis 2 (TSC2). Identifiers: Orphanet 805, MedGen C1860707, MONDO:0013199, OMIM 613254.
Hereditary cancer-predisposing syndrome. Also called: Hereditary Cancer Syndrome; Hereditary neoplastic syndrome; Neoplastic Syndromes, Hereditary; Tumor predisposition. Identifiers: Orphanet 140162, MedGen C0027672, MeSH D009386, MONDO:0015356.

Submissions (2):

Myriad Genetics, Inc.
Classification: Benign for Tuberous sclerosis 2. Last evaluated: 2025-06-05. Review status: criteria provided, single submitter. Criteria: Myriad Autosomal Dominant, Autosomal Recessive and X-Linked Classification Criteria (2023). Collection method: clinical testing. Allele origin: unknown.
Comment: This variant is considered benign. This variant is a silent/synonymous amino acid change and it is not expected to impact splicing.

Ambry Genetics
Classification: Likely benign for Hereditary cancer-predisposing syndrome. Last evaluated: 2024-07-11. Review status: criteria provided, single submitter. Criteria: Ambry Variant Classification Scheme 2023. Collection method: clinical testing. Allele origin: germline.

NM_000548.5(TSC2):c.4896G>A (p.Lys1632=)

Gene: TSC2 (TSC complex subunit 2; plus strand). Cytogenetic location: 16p13.3.
Variant type: single nucleotide variant.
Coding change: c.4896G>A on transcript NM_000548.5 (MANE Select); coding-DNA position 4896, G replaced by A.
Protein change: p.Lys1632=; no amino-acid change (lysine 1632 retained).
Molecular consequence: synonymous variant. On other transcripts: non-coding transcript variant (5).
Genome position (GRCh38, 1-based): chr16:2,086,778, G>A. VCF-style: chr16-2086778-G-A. GRCh37 (hg19) VCF-style: chr16-2136779-G-A.
Other names: c.4695G>A, p.Lys1565= (NM_001077183.3); c.4827G>A, p.Lys1609= (NM_001114382.3); c.4587G>A, p.Lys1529= (NM_001318827.2); c.4551G>A, p.Lys1517= (NM_001318829.2); c.4164G>A, p.Lys1388= (NM_001318831.2); c.4728G>A, p.Lys1576= (NM_001318832.2); c.4698G>A, p.Lys1566= (NM_001363528.2); c.4764G>A, p.Lys1588= (NM_001370404.1); and 26 more.
Identifiers: ClinVar variation 3462545 (VCV003462545.2).
Genomic context (GRCh38, chr16:2,086,778, plus strand): 5'-CTGCTCACCCTCAGCCGTCTTCCACATCGCCACCCTGATGCCCACCAAGGACGTGGACAA[G>A]CACCGCTGCGACAAGAAGCGCCACCTGGGCAACGACTTTGTGTCCATTGTCTACAATGAC-3'
Protein context (NP_000539.2, residues 1622-1642): ATLMPTKDVD[Lys1632=]HRCDKKRHLG